The following is an entry in ClinVar:

ClinVar aggregate classification (germline): Uncertain significance (1 of 4 stars; one submission).

Submission:

Labcorp Genetics (formerly Invitae), Labcorp
Classification: Uncertain significance. Last evaluated: 2025-10-18. Review status: criteria provided, single submitter. Criteria: Invitae Variant Classification Sherloc (09022015). Collection method: clinical testing. Allele origin: germline.
Comment: This sequence change falls in intron 28 of the ADGRV1 gene. It does not directly change the encoded amino acid sequence of the ADGRV1 protein. It affects a nucleotide within the consensus splice site. This variant is not present in population databases (gnomAD no frequency). This variant has not been reported in the literature in individuals affected with ADGRV1-related conditions. ClinVar contains an entry for this variant (Variation ID: 1043727). Variants that disrupt the consensus splice site are a relatively common cause of aberrant splicing (PMID: 17576681, 9536098). Algorithms developed to predict the effect of sequence changes on RNA splicing suggest that this variant may disrupt the consensus splice site. In summary, the available evidence is currently insufficient to determine the role of this variant in disease. Therefore, it has been classified as a Variant of Uncertain Significance.

Literature cited by the submitters: PubMed 17576681; PubMed 9536098.

NM_032119.4(ADGRV1):c.6275-3C>G

Gene: ADGRV1 (adhesion G protein-coupled receptor V1; plus strand). Cytogenetic location: 5q14.3.
Variant type: single nucleotide variant.
Coding change: c.6275-3C>G on transcript NM_032119.4 (MANE Select); 3 bases into the intron before coding-DNA position 6275, C replaced by G.
Molecular consequence: intron variant.
Genome position (GRCh38, 1-based): chr5:90,685,777, C>G. VCF-style: chr5-90685777-C-G. GRCh37 (hg19) VCF-style: chr5-89981594-C-G.
Identifiers: ClinVar variation 1043727 (VCV001043727.6), dbSNP rs1745544446, ClinGen allele CA1562856314.
Genomic context (GRCh38, chr5:90,685,777, plus strand): 5'-TTTTGGCCAGTTCTTAGAATTTTGATAGCTTTCTGTGTTCTGTGTGGATCTTCTGTCTTT[C>G]AGTTCCAAATTCTCCACGTCTTGGGCCTAAGGTAGAAACTATTGCGCAACTAATTATCAT-3'